The following is an entry in ClinVar:

NM_005248.3(FGR):c.762C>T (p.Asp254=)

Gene: FGR (FGR proto-oncogene, Src family tyrosine kinase; minus strand). Cytogenetic location: 1p35.3.
Variant type: single nucleotide variant.
Coding change: c.762C>T on transcript NM_005248.3 (MANE Select); coding-DNA position 762, C replaced by T.
Protein change: p.Asp254=; no amino-acid change (aspartic acid 254 retained).
Molecular consequence: synonymous variant.
Genome position (GRCh38, 1-based): chr1:27,615,765, G>A on the plus strand (C>T on the coding strand, the complement: FGR is on the minus strand). VCF-style: chr1-27615765-G-A. GRCh37 (hg19) VCF-style: chr1-27942276-G-A.
Other names: c.762C>T, p.Asp254= (NM_001042729.2, NM_001042747.2).
Identifiers: ClinVar variation 1247746 (VCV001247746.3), dbSNP rs142998887, ClinGen allele CA716419.

ClinVar aggregate classification (germline): Benign. Review status: criteria provided, multiple submitters, no conflicts (2 of 4 stars). 2 submissions from 2 submitters: Benign (2). Last evaluated 2020-02-18.

Allele frequency attached by ClinVar (database versions not stated): gnomAD 0.00020 and 0.00387; ESP Exome Variant Server 0.00023; TOPMed 0.00083; gnomAD exomes 0.00718 and 0.01547; 1000 Genomes Project 0.02716; 1000 Genomes Project 30x 0.02483; ExAC 0.02672.
gnomAD v4.1: 11,031 of 1,604,812 alleles (0.69%); highest among the groups gnomAD compares: South Asian, 12%; 722 homozygotes.

Submissions (2):

GeneDx
Classification: Benign. Last evaluated: 2020-02-18. Review status: criteria provided, single submitter. Criteria: GeneDx Variant Classification Process June 2021. Collection method: clinical testing. Allele origin: germline. Affected: yes.
Comment: This variant is associated with the following publications: (PMID: 31138708)

Breakthrough Genomics
Classification: Benign. Review status: criteria provided, single submitter. Criteria: ACMG Guidelines, 2015. Collection method: not provided. Allele origin: germline. Inheritance: Unknown mechanism. Affected: yes.